The following is an entry in ClinVar:

NM_000489.6(ATRX):c.4852G>C (p.Asp1618His)

Gene: ATRX (ATRX chromatin remodeler; minus strand). Cytogenetic location: Xq21.1.
Variant type: single nucleotide variant.
Coding change: c.4852G>C on transcript NM_000489.6 (MANE Select); coding-DNA position 4852, G replaced by C.
Protein change: p.Asp1618His; replaces aspartic acid 1618 with histidine.
Molecular consequence: missense variant.
Genome position (GRCh38, 1-based): chrX:77,633,670, C>G on the plus strand (G>C on the coding strand, the complement: ATRX is on the minus strand). VCF-style: chrX-77633670-C-G. GRCh37 (hg19) VCF-style: chrX-76889158-C-G.
Other names: c.4738G>C, p.Asp1580His (NM_138270.5); short protein forms D1618H, D1580H.
Identifiers: ClinVar variation 2003607 (VCV002003607.4), dbSNP rs2148343437, ClinGen allele CA413704639.

ClinVar aggregate classification (germline): Uncertain significance (1 of 4 stars; one submission).

Conditions:
Alpha thalassemia-X-linked intellectual disability syndrome (ATRX). Also called: ALPHA-THALASSEMIA/MENTAL RETARDATION SYNDROME, X-LINKED; ATR, NONDELETION TYPE; ATR-X syndrome; Alpha thalassemia mental retardation syndrome, nondeletion type, X-linked; XLMR hypotonic face syndrome; X-linked alpha-thalassemia-mental retardation syndrome. Identifiers: Orphanet 847, MedGen C1845055, MONDO:0010519, OMIM 301040.

Submission:

Labcorp Genetics (formerly Invitae), Labcorp
Classification: Uncertain significance for Alpha thalassemia-X-linked intellectual disability syndrome. Last evaluated: 2022-06-08. Review status: criteria provided, single submitter. Criteria: Invitae Variant Classification Sherloc (09022015). Collection method: clinical testing. Allele origin: germline.
Comment: In summary, the available evidence is currently insufficient to determine the role of this variant in disease. Therefore, it has been classified as a Variant of Uncertain Significance. Algorithms developed to predict the effect of sequence changes on RNA splicing suggest that this variant may create or strengthen a splice site. Algorithms developed to predict the effect of missense changes on protein structure and function are either unavailable or do not agree on the potential impact of this missense change (SIFT: "Tolerated"; PolyPhen-2: "Probably Damaging"; Align-GVGD: "Class C0"). This variant has not been reported in the literature in individuals affected with ATRX-related conditions. This variant is not present in population databases (gnomAD no frequency). This sequence change replaces aspartic acid, which is acidic and polar, with histidine, which is basic and polar, at codon 1618 of the ATRX protein (p.Asp1618His).